The following is an entry in ClinVar:

NM_003079.5(SMARCE1):c.1088C>G (p.Thr363Ser)

Gene: SMARCE1 (SWI/SNF related BAF chromatin remodeling complex subunit E1; minus strand). Cytogenetic location: 17q21.2.
Variant type: single nucleotide variant.
Coding change: c.1088C>G on transcript NM_003079.5 (MANE Select); coding-DNA position 1088, C replaced by G.
Protein change: p.Thr363Ser; replaces threonine 363 with serine.
Molecular consequence: missense variant.
Genome position (GRCh38, 1-based): chr17:40,628,933, G>C on the plus strand (C>G on the coding strand, the complement: SMARCE1 is on the minus strand). VCF-style: chr17-40628933-G-C. GRCh37 (hg19) VCF-style: chr17-38785185-G-C.
Other names: short protein forms T363S.
Identifiers: ClinVar variation 1351659 (VCV001351659.8), dbSNP rs1247688181, ClinGen allele CA399361492.

ClinVar aggregate classification (germline): Uncertain significance (1 of 4 stars; one submission).

Conditions:
Familial meningioma. Also called: Meningioma, familial, susceptibility to. Identifiers: Orphanet 263662, MedGen C3551915, MONDO:0011789, OMIM 607174.

Submission:

Labcorp Genetics (formerly Invitae), Labcorp
Classification: Uncertain significance for Familial meningioma. Last evaluated: 2021-05-05. Review status: criteria provided, single submitter. Criteria: Invitae Variant Classification Sherloc (09022015). Collection method: clinical testing. Allele origin: germline.
Comment: This sequence change replaces threonine with serine at codon 363 of the SMARCE1 protein (p.Thr363Ser). The threonine residue is moderately conserved and there is a small physicochemical difference between threonine and serine. This variant is not present in population databases (ExAC no frequency). This variant has not been reported in the literature in individuals with SMARCE1-related conditions. Algorithms developed to predict the effect of missense changes on protein structure and function (SIFT, PolyPhen-2, Align-GVGD) all suggest that this variant is likely to be tolerated, but these predictions have not been confirmed by published functional studies and their clinical significance is uncertain. In summary, the available evidence is currently insufficient to determine the role of this variant in disease. Therefore, it has been classified as a Variant of Uncertain Significance.